The following is an entry in ClinVar:

ClinVar aggregate classification (germline): Conflicting classifications of pathogenicity. Review status: criteria provided, conflicting classifications (1 of 4 stars). 5 submissions from 5 submitters: Pathogenic (1); Likely pathogenic (1); Uncertain significance (2). 1 of the submissions does not count toward it. Last evaluated 2025-12-19.

Conditions:
Radioulnar synostosis. Also called: Congenital radioulnar synostosis. Identifiers: Orphanet 3269, MedGen C0158761, MONDO:0017985, HP:0002974.
Autosomal dominant SMAD6-related disorders.
SMAD6-related disease. Also called: SMAD6-related disorder; SMAD6-related condition. Identifiers: MedGen CN381596, MONDO:0700324.
Aortic valve disease 2 (AOVD2). Identifiers: MedGen C3542024, MONDO:0013902, OMIM 614823.

Submissions (5):

GeneDx
Classification: Pathogenic. Last evaluated: 2025-12-19. Review status: criteria provided, single submitter. Criteria: GeneDx Variant Classification Process June 2021. Collection method: clinical testing. Allele origin: germline. Affected: yes.
Comment: Nonsense variant predicted to result in protein truncation or nonsense mediated decay in a gene for which loss of function is a known mechanism of disease; Reported as an apparently de novo variant in a proband with bilateral radioulnar synostosis; no further clinical information was provided (PMID: 34953066); Not observed at significant frequency in large population cohorts (gnomAD); This variant is associated with the following publications: (PMID: 34953066)

Variantyx, Inc.
Classification: Likely pathogenic for Autosomal dominant SMAD6-related disorders. Last evaluated: 2025-08-07. Review status: criteria provided, single submitter. Criteria: Variantyx Assertion Criteria 2022. Collection method: clinical testing. Allele origin: germline. Inheritance: Autosomal dominant inheritance. Affected: no.
Comment: This is a nonsense variant in the SMAD6 gene (OMIM: 602931). Pathogenic variants in this gene have been associated with autosomal dominant SMAD6-related disorders. This variant introduces a premature termination codon in exon 1 out of 4 and is expected to result in loss of function, which is a known disease mechanism for SMAD6 in these disorders (PMID: 36414630) (PVS1). This variant has a 0.0023% maximum allele frequency in non-founder control populations (PM2 and it has been reported in the heterozygous state in one affected individual with radioulnar synostosis (PMID: 34953066). Based on the current evidence, this variant is classified as likely pathogenic for autosomal dominant SMAD6-related disorders.

Labcorp Genetics (formerly Invitae), Labcorp
Classification: Uncertain significance for Aortic valve disease 2. Last evaluated: 2025-04-17. Review status: criteria provided, single submitter. Criteria: Invitae Variant Classification Sherloc (09022015). Collection method: clinical testing. Allele origin: germline.
Comment: This sequence change creates a premature translational stop signal (p.Gln170*) in the SMAD6 gene. It is expected to result in an absent or disrupted protein product. However, the current clinical and genetic evidence is not sufficient to establish whether loss-of-function variants in SMAD6 cause disease. This variant is not present in population databases (gnomAD no frequency). This premature translational stop signal has been observed in individual(s) with radioulnar synostosis (PMID: 34953066). ClinVar contains an entry for this variant (Variation ID: 1051015). In summary, the available evidence is currently insufficient to determine the role of this variant in disease. Therefore, it has been classified as a Variant of Uncertain Significance.

PreventionGenetics, part of Exact Sciences
Classification: Uncertain significance for SMAD6-related condition. Last evaluated: 2025-03-17. Review status: criteria provided, single submitter. Criteria: ACMG Guidelines, 2015. Collection method: clinical testing. Allele origin: germline.
Comment: The SMAD6 c.508C>T variant is predicted to result in premature protein termination (p.Gln170*). This variant has been reported as a de novo variant in an individual with radioulnar synostosis (Shen et al 2022. PubMed ID: 34953066). This variant has not been reported in a large population database, indicating this variant is rare. A cohort of 2,871 congenital heart disease (CHD) patients found eight inherited and one de novo loss-of-function (LOF) SMAD6 variants in patients with variable CHDs; however, only one of eight of the parents transmitting a LOF variant had a CHD (bicuspid aortic valve). Importantly, no LOF variants were found among the 7,156 parental control alleles (Jin et al. 2017. PubMed ID: 28991257). However, the SMAD6 gene is predicted to largely be tolerant of LOF variants as more LOF variants are observed than expected in the gnomAD database (Lek et al. 2016. PubMed ID: 27535533). Although we suspect that this variant may be pathogenic, at this time, the clinical significance of this variant is uncertain due to the absence of conclusive functional and genetic evidence.

The Laboratory of Genetics and Metabolism, Hunan Children’s Hospital
Classification: Pathogenic for Radioulnar synostosis. Last evaluated: 2020-06-20. Review status: no assertion criteria provided. Collection method: research. Allele origin: de novo. Affected: yes. Not counted in ClinVar's aggregate classification.

Literature cited by the submitters: PubMed 34953066 (cited by Variantyx, Inc. and Labcorp Genetics (formerly Invitae), Labcorp); PubMed 21681813 (cited by Variantyx, Inc.).

NM_005585.5(SMAD6):c.508C>T (p.Gln170Ter)

Gene: SMAD6 (SMAD family member 6; plus strand). Cytogenetic location: 15q22.31.
Variant type: single nucleotide variant.
Coding change: c.508C>T on transcript NM_005585.5 (MANE Select); coding-DNA position 508, C replaced by T.
Protein change: p.Gln170Ter; replaces glutamine 170 with a stop codon.
Molecular consequence: nonsense. On other transcripts: non-coding transcript variant (1).
Genome position (GRCh38, 1-based): chr15:66,703,766, C>T. VCF-style: chr15-66703766-C-T. GRCh37 (hg19) VCF-style: chr15-66996104-C-T.
Other names: c.508C>T (NM_005585.4); short protein forms Q170*.
Identifiers: ClinVar variation 1051015 (VCV001051015.15), dbSNP rs1235097131, ClinGen allele CA392949684.